The following is an entry in ClinVar:

ClinVar aggregate classification (germline): Uncertain significance (1 of 4 stars; one submission).

Submission:

Clinical Genomics Laboratory, Washington University in St. Louis
Classification: Uncertain significance. Last evaluated: 2023-10-02. Review status: criteria provided, single submitter. Criteria: ACMG Guidelines, 2015. Collection method: clinical testing. Allele origin: germline.
Comment: The PSMB11 c.200C>A (p.Thr67Lys) variant, to our knowledge, has not been reported in the medical literature and is absent from the general population (gnomAD v.2.1.1), indicating it is not a common variant. Computational predictors suggest that the variant does not impact PSMB11 function. Due to limited information, the clinical significance of this variant is uncertain.

NM_001099780.2(PSMB11):c.200C>A (p.Thr67Lys)

Gene: PSMB11 (proteasome subunit beta 11; plus strand). Cytogenetic location: 14q11.2.
Variant type: single nucleotide variant.
Coding change: c.200C>A on transcript NM_001099780.2 (MANE Select); coding-DNA position 200, C replaced by A.
Protein change: p.Thr67Lys; replaces threonine 67 with lysine.
Molecular consequence: missense variant.
Genome position (GRCh38, 1-based): chr14:23,042,425, C>A. VCF-style: chr14-23042425-C-A. GRCh37 (hg19) VCF-style: chr14-23511634-C-A.
Other names: short protein forms T67K.
Identifiers: ClinVar variation 2672151 (VCV002672151.1), dbSNP rs761664786, ClinGen allele CA388985962.
Genomic context (GRCh38, chr14:23,042,425, plus strand): 5'-CCCACGGCACCACCACTCTGGCCTTCCGCTTCCGTCATGGAGTCATTGCTGCAGCTGACA[C>A]GCGTTCCTCCTGTGGCAGCTATGTGGCGTGTCCAGCCTCATGCAAGGTCATCCCTGTGCA-3'
Protein context (NP_001093250.1, residues 57-77): FRHGVIAAAD[Thr67Lys]RSSCGSYVAC